The following is an entry in ClinVar:

NM_004260.4(RECQL4):c.754C>T (p.Pro252Ser)

Gene: RECQL4 (RecQ like helicase 4; minus strand). Cytogenetic location: 8q24.3.
Variant type: single nucleotide variant.
Coding change: c.754C>T on transcript NM_004260.4 (MANE Select); coding-DNA position 754, C replaced by T.
Protein change: p.Pro252Ser; replaces proline 252 with serine.
Molecular consequence: missense variant.
Genome position (GRCh38, 1-based): chr8:144,516,365, G>A on the plus strand (C>T on the coding strand, the complement: RECQL4 is on the minus strand). VCF-style: chr8-144516365-G-A. GRCh37 (hg19) VCF-style: chr8-145741749-G-A.
Other names: short protein forms P252S.
Identifiers: ClinVar variation 850602 (VCV000850602.6), dbSNP rs376485578, ClinGen allele CA4949188.

ClinVar aggregate classification (germline): Uncertain significance. Review status: criteria provided, multiple submitters, no conflicts (2 of 4 stars). 2 submissions from 2 submitters: Uncertain significance (2). Last evaluated 2024-11-23.

Conditions:
Inborn genetic diseases. Identifiers: MedGen C0950123, MeSH D030342.
Baller-Gerold syndrome (BGS). Also called: CRANIOSYNOSTOSIS WITH RADIAL DEFECTS. Identifiers: Orphanet 1225, MedGen C0265308, MONDO:0009039, OMIM 218600.

Allele frequency attached by ClinVar (database versions not stated): ExAC 0.00001; ESP Exome Variant Server 0.00008.
gnomAD v4.1: 1 of 1,610,150 alleles (0.000062%); highest among the groups gnomAD compares: Non-Finnish European, 0.000085%; no homozygotes.

Submissions (2):

Ambry Genetics
Classification: Uncertain significance for Inborn genetic diseases. Last evaluated: 2024-11-23. Review status: criteria provided, single submitter. Criteria: Ambry Variant Classification Scheme 2023. Collection method: clinical testing. Allele origin: germline.
Comment: The p.P252S variant (also known as c.754C>T), located in coding exon 5 of the RECQL4 gene, results from a C to T substitution at nucleotide position 754. The proline at codon 252 is replaced by serine, an amino acid with similar properties. This amino acid position is conserved. In addition, this alteration is predicted to be tolerated by in silico analysis. Based on the available evidence, the clinical significance of this variant remains unclear.

Labcorp Genetics (formerly Invitae), Labcorp
Classification: Uncertain significance for Baller-Gerold syndrome. Last evaluated: 2022-11-23. Review status: criteria provided, single submitter. Criteria: Invitae Variant Classification Sherloc (09022015). Collection method: clinical testing. Allele origin: germline.
Comment: In summary, the available evidence is currently insufficient to determine the role of this variant in disease. Therefore, it has been classified as a Variant of Uncertain Significance. Advanced modeling of protein sequence and biophysical properties (such as structural, functional, and spatial information, amino acid conservation, physicochemical variation, residue mobility, and thermodynamic stability) performed at Invitae indicates that this missense variant is not expected to disrupt RECQL4 protein function. ClinVar contains an entry for this variant (Variation ID: 850602). This variant has not been reported in the literature in individuals affected with RECQL4-related conditions. The frequency data for this variant in the population databases is considered unreliable, as metrics indicate poor data quality at this position in the gnomAD database. This sequence change replaces proline, which is neutral and non-polar, with serine, which is neutral and polar, at codon 252 of the RECQL4 protein (p.Pro252Ser).